The following is an entry in ClinVar:

ClinVar aggregate classification (germline): Likely pathogenic (1 of 4 stars; one submission).

Conditions:
Familial cancer of breast. Also called: Hereditary breast cancer; BREAST CANCER, FAMILIAL; hereditary breast carcinoma. Identifiers: Orphanet 227535, MedGen C0346153, MONDO:0016419, OMIM 114480. Disease mechanism: loss of function.

Submission:

Myriad Genetics, Inc.
Classification: Likely pathogenic for Familial cancer of breast. Last evaluated: 2023-06-02. Review status: criteria provided, single submitter. Criteria: Myriad Autosomal Dominant, Autosomal Recessive and X-Linked Classification Criteria (2023). Collection method: clinical testing. Allele origin: unknown.
Comment: This variant is considered likely pathogenic. This variant occurs within a consensus splice junction and is predicted to result in abnormal mRNA splicing of either an out-of-frame exon or an in-frame exon necessary for protein stability and/or normal function.

NM_032043.3(BRIP1):c.1474-1G>C

Gene: BRIP1 (BRCA1 interacting DNA helicase 1; minus strand). Cytogenetic location: 17q23.2.
Variant type: single nucleotide variant.
Coding change: c.1474-1G>C on transcript NM_032043.3 (MANE Select); the canonical splice acceptor site of the intron before coding-DNA position 1474, G replaced by C.
Molecular consequence: splice acceptor variant.
Genome position (GRCh38, 1-based): chr17:61,784,425, C>G on the plus strand (G>C on the coding strand, the complement: BRIP1 is on the minus strand). VCF-style: chr17-61784425-C-G. GRCh37 (hg19) VCF-style: chr17-59861786-C-G.
Identifiers: ClinVar variation 2583597 (VCV002583597.2), dbSNP rs1555603638, ClinGen allele CA400481792.